The following is an entry in ClinVar:

NM_054012.4(ASS1):c.1060del (p.Leu354fs)

Gene: ASS1 (argininosuccinate synthase 1; plus strand). Cytogenetic location: 9q34.11.
Variant type: Deletion.
Coding change: c.1060del on transcript NM_054012.4 (MANE Select); coding-DNA position 1060, one base deleted (C; older notation c.1060delC).
Protein change: p.Leu354fs; shifts the reading frame from leucine 354.
Molecular consequence: frameshift variant.
Genome position (GRCh38, 1-based): chr9:130,494,956, C deleted; the last of 2 consecutive C bases (chr9:130,494,955-130,494,956); deleting either gives the same sequence. VCF-style (leftmost placement, unchanged base first): chr9-130494954-TC-T. GRCh37 (hg19) VCF-style: chr9-133370341-TC-T.
Other names: c.1060del, p.Leu354fs (NM_000050.4); short protein forms L354fs.
Identifiers: ClinVar variation 2087609 (VCV002087609.4), dbSNP rs2490621965, ClinGen allele CA2580079797.

ClinVar aggregate classification (germline): Pathogenic (1 of 4 stars; one submission).

Conditions:
Citrullinemia. Identifiers: Orphanet 187, MedGen C0175683, MONDO:0015991.

Submission:

Labcorp Genetics (formerly Invitae), Labcorp
Classification: Pathogenic for Citrullinemia. Last evaluated: 2022-01-18. Review status: criteria provided, single submitter. Criteria: Invitae Variant Classification Sherloc (09022015). Collection method: clinical testing. Allele origin: germline.
Comment: This variant has not been reported in the literature in individuals affected with ASS1-related conditions. This variant is not present in population databases (gnomAD no frequency). This sequence change creates a premature translational stop signal (p.Leu354Serfs*22) in the ASS1 gene. It is expected to result in an absent or disrupted protein product. Loss-of-function variants in ASS1 are known to be pathogenic (PMID: 18473344, 19006241). For these reasons, this variant has been classified as Pathogenic.

Literature cited by the submitters: PubMed 18473344; PubMed 19006241.